The following is an entry in ClinVar:

ClinVar aggregate classification (germline): Likely pathogenic. Review status: criteria provided, multiple submitters, no conflicts (2 of 4 stars). 2 submissions from 2 submitters: Likely pathogenic (2). Last evaluated 2026-03-25.

Conditions:
Tuberous sclerosis 2 (TSC2). Identifiers: Orphanet 805, MedGen C1860707, MONDO:0013199, OMIM 613254.
Hereditary cancer-predisposing syndrome. Also called: Tumor predisposition; Hereditary Cancer Syndrome; Hereditary neoplastic syndrome; Neoplastic Syndromes, Hereditary. Identifiers: Orphanet 140162, MedGen C0027672, MeSH D009386, MONDO:0015356.

Allele frequency attached by ClinVar (database versions not stated): TOPMed below 0.00001.

Submissions (2):

Ambry Genetics
Classification: Likely pathogenic for Hereditary cancer-predisposing syndrome. Last evaluated: 2026-03-25. Review status: criteria provided, single submitter. Criteria: Ambry Variant Classification Scheme 2023. Collection method: clinical testing. Allele origin: germline.
Comment: The p.G1595E variant (also known as c.4784G>A), located in coding exon 36 of the TSC2 gene, results from a G to A substitution at nucleotide position 4784. The glycine at codon 1595 is replaced by glutamic acid, an amino acid with similar properties. Internal structural analysis indicates that this variant disrupts a motif known to be involved in GAP-Rheb binding-specificity (Ambry internal data; Yang H et al. Nat Commun, 2021 Jan;12:339; Hansmann P et al. Structure, 2020 Aug;28:933-942.e4; Inoki K et al. Genes Dev, 2003 Aug;17:1829-34). This amino acid position is highly conserved in available vertebrate species. In addition, this alteration is predicted to be deleterious by in silico analysis. This variant is considered to be rare based on population cohorts in the Genome Aggregation Database (gnomAD). Based on the majority of available evidence to date, this variant is likely to be pathogenic.

Labcorp Genetics (formerly Invitae), Labcorp
Classification: Likely pathogenic for Tuberous sclerosis 2. Last evaluated: 2022-03-26. Review status: criteria provided, single submitter. Criteria: Invitae Variant Classification Sherloc (09022015). Collection method: clinical testing. Allele origin: germline.
Comment: This sequence change replaces glycine, which is neutral and non-polar, with glutamic acid, which is acidic and polar, at codon 1595 of the TSC2 protein (p.Gly1595Glu). This variant is not present in population databases (gnomAD no frequency). This missense change has been observed in individual(s) with clinical features of tuberous sclerosis complex (TSC) (Invitae). Advanced modeling of protein sequence and biophysical properties (such as structural, functional, and spatial information, amino acid conservation, physicochemical variation, residue mobility, and thermodynamic stability) performed at Invitae indicates that this missense variant is expected to disrupt TSC2 protein function. This variant disrupts the p.Gly1595 amino acid residue in TSC2. Other variant(s) that disrupt this residue have been determined to be pathogenic (PMID: 31927531; Invitae). This suggests that this residue is clinically significant, and that variants that disrupt this residue are likely to be disease-causing. In summary, the currently available evidence indicates that the variant is pathogenic, but additional data are needed to prove that conclusively. Therefore, this variant has been classified as Likely Pathogenic.

Literature cited by the submitters: PubMed 12869586 (cited by Ambry Genetics); PubMed 32502382 (cited by Ambry Genetics); PubMed 33436626 (cited by Ambry Genetics); PubMed 31927531 (cited by Labcorp Genetics (formerly Invitae), Labcorp).

NM_000548.5(TSC2):c.4784G>A (p.Gly1595Glu)

Gene: TSC2 (TSC complex subunit 2; plus strand). Cytogenetic location: 16p13.3.
Variant type: single nucleotide variant.
Coding change: c.4784G>A on transcript NM_000548.5 (MANE Select); coding-DNA position 4784, G replaced by A.
Protein change: p.Gly1595Glu; replaces glycine 1595 with glutamic acid.
Molecular consequence: missense variant.
Genome position (GRCh38, 1-based): chr16:2,086,314, G>A. VCF-style: chr16-2086314-G-A. GRCh37 (hg19) VCF-style: chr16-2136315-G-A.
Other names: c.4583G>A, p.Gly1528Glu (NM_001077183.3); c.4715G>A, p.Gly1572Glu (NM_001114382.3); c.4475G>A, p.Gly1492Glu (NM_001318827.2); c.4439G>A, p.Gly1480Glu (NM_001318829.2); c.4052G>A, p.Gly1351Glu (NM_001318831.2); c.4616G>A, p.Gly1539Glu (NM_001318832.2); c.4586G>A, p.Gly1529Glu (NM_001363528.2); c.4652G>A, p.Gly1551Glu (NM_001370404.1); and 26 more; short protein forms G1081E, G1103E, G1104E, G1328E, G1509E, G1522E, G1523E, G1524E.
Identifiers: ClinVar variation 2117469 (VCV002117469.7), dbSNP rs2090782357, ClinGen allele CA394307959.